The following is an entry in ClinVar:

ClinVar aggregate classification (germline): Conflicting classifications of pathogenicity. Review status: criteria provided, conflicting classifications (1 of 4 stars). 2 submissions from 2 submitters: Likely pathogenic (1); Uncertain significance (1). Last evaluated 2025-06-10.

Conditions:
Familial dysautonomia. Also called: HSAN III; FD. Identifiers: Orphanet 1764, MedGen C0013364, MONDO:0009131, OMIM 223900. Disease mechanism: loss of function.

Submissions (2):

Natera, Inc.
Classification: Likely pathogenic for Familial dysautonomia. Last evaluated: 2025-06-10. Review status: criteria provided, single submitter. Criteria: Natera Variant Classification Schema (03/2026). Collection method: clinical testing. Allele origin: germline.
Comment: The c.3458delT variant in ELP1 is a frameshift variant predicted to shift the reading frame beginning at codon 1153 and leads to a stop codon 21 codons downstream. This variant is expected to result in nonsense mediated decay, truncation, or a dysfunctional protein product. This variant is rare in the general population with a frequency below the threshold expected for the associated phenotype(s). Given the available evidence, this variant is classified as Likely Pathogenic.

Blueprint Genetics
Classification: Uncertain significance. Last evaluated: 2021-01-14. Review status: criteria provided, single submitter. Criteria: ACMG Guidelines, 2015. Collection method: clinical testing. Allele origin: germline.

NM_003640.5(ELP1):c.3458del (p.Leu1153fs)

Gene: ELP1 (elongator acetyltransferase complex subunit 1; minus strand). Cytogenetic location: 9q31.3.
Variant type: Deletion.
Coding change: c.3458del on transcript NM_003640.5 (MANE Select); coding-DNA position 3458, one base deleted (T; older notation c.3458delT).
Protein change: p.Leu1153fs; shifts the reading frame from leucine 1153.
Molecular consequence: frameshift variant.
Genome position (GRCh38, 1-based): chr9:108,880,054, A deleted on the plus strand (T on the coding strand, the reverse complement: ELP1 is on the minus strand). VCF-style (leftmost placement, unchanged base first): chr9-108880053-CA-C. GRCh37 (hg19) VCF-style: chr9-111642333-CA-C.
Other names: c.3116del, p.Leu1039fs (NM_001318360.2); c.2411del, p.Leu804fs (NM_001330749.2); short protein forms L1039fs, L1153fs, L804fs.
Identifiers: ClinVar variation 4815228 (VCV004815228.2).